The following is an entry in ClinVar:

ClinVar aggregate classification (germline): Benign. Review status: criteria provided, multiple submitters, no conflicts (2 of 4 stars). 3 submissions from 3 submitters: Benign (2). 1 of the submissions does not count toward it. Last evaluated 2015-03-03.

Conditions:
KRT6B-related disorder. Also called: KRT6B-related condition.

Allele frequency attached by ClinVar (database versions not stated): gnomAD 0.17939; 1000 Genomes Project 30x 0.18270; gnomAD exomes 0.18837 and 0.20524; ExAC 0.26047.
gnomAD v4.1: 300,389 of 1,601,476 alleles (19%); highest among the groups gnomAD compares: Admixed American, 26%; 37 homozygotes.

Submissions (3):

GeneDx
Classification: Benign. Last evaluated: 2015-03-03. Review status: criteria provided, single submitter. Criteria: GeneDx Variant Classification Process June 2021. Collection method: clinical testing. Allele origin: germline. Affected: yes.
Comment: This variant is associated with the following publications: (PMID: 29357356)

Breakthrough Genomics
Classification: Benign. Review status: criteria provided, single submitter. Criteria: ACMG Guidelines, 2015. Collection method: not provided. Allele origin: germline. Inheritance: Autosomal dominant inheritance. Affected: yes.

PreventionGenetics, part of Exact Sciences
Classification: Benign for KRT6B-related condition. Last evaluated: 2019-10-18. Review status: no assertion criteria provided. Collection method: clinical testing. Allele origin: germline. Not counted in ClinVar's aggregate classification.
Comment: This variant is classified as benign based on ACMG/AMP sequence variant interpretation guidelines (Richards et al. 2015 PMID: 25741868, with internal and published modifications).

NM_005555.4(KRT6B):c.289G>A (p.Gly97Arg)

Gene: KRT6B (keratin 6B; minus strand). Cytogenetic location: 12q13.13.
Variant type: single nucleotide variant.
Coding change: c.289G>A on transcript NM_005555.4 (MANE Select); coding-DNA position 289, G replaced by A.
Protein change: p.Gly97Arg; replaces glycine 97 with arginine.
Molecular consequence: missense variant.
Genome position (GRCh38, 1-based): chr12:52,451,790, C>T on the plus strand (G>A on the coding strand, the complement: KRT6B is on the minus strand). VCF-style: chr12-52451790-C-T. GRCh37 (hg19) VCF-style: chr12-52845574-C-T.
Other names: short protein forms G97R.
Identifiers: ClinVar variation 1222626 (VCV001222626.6), dbSNP rs144860693, ClinGen allele CA6580896.